The following is an entry in ClinVar:

ClinVar aggregate classification (germline): Uncertain significance (1 of 4 stars; one submission).

Submission:

Labcorp Genetics (formerly Invitae), Labcorp
Classification: Uncertain significance. Last evaluated: 2022-05-06. Review status: criteria provided, single submitter. Criteria: Invitae Variant Classification Sherloc (09022015). Collection method: clinical testing. Allele origin: germline.
Comment: In summary, the available evidence is currently insufficient to determine the role of this variant in disease. Therefore, it has been classified as a Variant of Uncertain Significance. Algorithms developed to predict the effect of missense changes on protein structure and function (SIFT, PolyPhen-2, Align-GVGD) all suggest that this variant is likely to be tolerated. This variant has not been reported in the literature in individuals affected with MICAL1-related conditions. This variant is not present in population databases (gnomAD no frequency). This sequence change replaces proline, which is neutral and non-polar, with alanine, which is neutral and non-polar, at codon 813 of the MICAL1 protein (p.Pro813Ala).

NM_022765.4(MICAL1):c.2380C>G (p.Pro794Ala)

Gene: MICAL1 (microtubule associated monooxygenase, calponin and LIM domain containing 1; minus strand). Cytogenetic location: 6q21.
Variant type: single nucleotide variant.
Coding change: c.2380C>G on transcript NM_022765.4 (MANE Select); coding-DNA position 2380, C replaced by G.
Protein change: p.Pro794Ala; replaces proline 794 with alanine.
Molecular consequence: missense variant.
Genome position (GRCh38, 1-based): chr6:109,446,337, G>C on the plus strand (C>G on the coding strand, the complement: MICAL1 is on the minus strand). VCF-style: chr6-109446337-G-C. GRCh37 (hg19) VCF-style: chr6-109767540-G-C.
Other names: c.2122C>G, p.Pro708Ala (NM_001159291.2); c.2437C>G, p.Pro813Ala (NM_001286613.2); short protein forms P708A, P813A, P794A.
Identifiers: ClinVar variation 2134742 (VCV002134742.4), dbSNP rs1170100582, ClinGen allele CA365223836.